The following is an entry in ClinVar:

ClinVar aggregate classification (germline): Uncertain significance. Review status: criteria provided, multiple submitters, no conflicts (2 of 4 stars). 2 submissions from 2 submitters: Uncertain significance (2). Last evaluated 2026-08-23.

Conditions:
Hereditary cancer-predisposing syndrome. Also called: Tumor predisposition; Hereditary Cancer Syndrome; Hereditary neoplastic syndrome; Neoplastic Syndromes, Hereditary. Identifiers: Orphanet 140162, MedGen C0027672, MeSH D009386, MONDO:0015356.

Submissions (2):

Ambry Genetics
Classification: Uncertain significance for Hereditary cancer-predisposing syndrome. Last evaluated: 2026-08-23. Review status: criteria provided, single submitter. Criteria: Ambry Variant Classification Scheme 2023. Collection method: clinical testing. Allele origin: germline.
Comment: The p.E1584D variant (also known as c.4752G>T), located in coding exon 10 of the BRCA2 gene, results from a G to T substitution at nucleotide position 4752. The glutamic acid at codon 1584 is replaced by aspartic acid, an amino acid with highly similar properties. This amino acid position is conserved. In addition, this alteration is predicted to be tolerated by in silico analysis. Based on the available evidence, the clinical significance of this variant remains unclear.

GeneDx
Classification: Uncertain significance. Last evaluated: 2024-05-22. Review status: criteria provided, single submitter. Criteria: GeneDx Variant Classification Process June 2021. Collection method: clinical testing. Allele origin: germline. Affected: yes.
Comment: Not observed at significant frequency in large population cohorts (gnomAD); In silico analysis supports that this missense variant has a deleterious effect on protein structure/function; Has not been previously published as pathogenic or benign to our knowledge; Also known as 4980G>T

NM_000059.4(BRCA2):c.4752G>T (p.Glu1584Asp)

Gene: BRCA2 (BRCA2 DNA repair associated; plus strand). Cytogenetic location: 13q13.1.
Variant type: single nucleotide variant.
Coding change: c.4752G>T on transcript NM_000059.4 (MANE Select); coding-DNA position 4752, G replaced by T.
Protein change: p.Glu1584Asp; replaces glutamic acid 1584 with aspartic acid.
Molecular consequence: missense variant. On other transcripts: non-coding transcript variant (1), intron variant (2).
Genome position (GRCh38, 1-based): chr13:32,339,107, G>T. VCF-style: chr13-32339107-G-T. GRCh37 (hg19) VCF-style: chr13-32913244-G-T.
Other names: c.4752G>T, p.Glu1584Asp (NM_001406719.1, NM_001406720.1, NM_001432077.1); c.1910-5451G>T (NM_001406721.1); c.425-5451G>T (NM_001406722.1); short protein forms E1584D.
Identifiers: ClinVar variation 3381271 (VCV003381271.2).